The following is an entry in ClinVar:

NM_000090.4(COL3A1):c.149G>C (p.Cys50Ser)

Gene: COL3A1 (collagen type III alpha 1 chain; plus strand). Cytogenetic location: 2q32.2.
Variant type: single nucleotide variant.
Coding change: c.149G>C on transcript NM_000090.4 (MANE Select); coding-DNA position 149, G replaced by C.
Protein change: p.Cys50Ser; replaces cysteine 50 with serine.
Molecular consequence: missense variant.
Genome position (GRCh38, 1-based): chr2:188,984,829, G>C. VCF-style: chr2-188984829-G-C. GRCh37 (hg19) VCF-style: chr2-189849555-G-C.
Other names: short protein forms C50S.
Identifiers: ClinVar variation 2693238 (VCV002693238.3), dbSNP rs2469105718, ClinGen allele CA349847003.

ClinVar aggregate classification (germline): Uncertain significance (1 of 4 stars; one submission).

Conditions:
Ehlers-Danlos syndrome, type 4 (EDSVASC). Also called: Ehlers-Danlos Syndrome Type IV; Ehlers-Danlos syndrome vascular type; Ehlers Danlos syndrome, ecchymotic type; Ehlers Danlos syndrome, arterial type; Ehlers Danlos syndrome, Sack-Barabas type. Identifiers: Orphanet 286, MedGen C0268338, MONDO:0017314, OMIM 130050.

Submission:

Labcorp Genetics (formerly Invitae), Labcorp
Classification: Uncertain significance for Ehlers-Danlos syndrome, type 4. Last evaluated: 2023-11-04. Review status: criteria provided, single submitter. Criteria: Invitae Variant Classification Sherloc (09022015). Collection method: clinical testing. Allele origin: germline.
Comment: This sequence change replaces cysteine, which is neutral and slightly polar, with serine, which is neutral and polar, at codon 50 of the COL3A1 protein (p.Cys50Ser). This variant is not present in population databases (gnomAD no frequency). This variant has not been reported in the literature in individuals affected with COL3A1-related conditions. Advanced modeling of protein sequence and biophysical properties (such as structural, functional, and spatial information, amino acid conservation, physicochemical variation, residue mobility, and thermodynamic stability) performed at Invitae indicates that this missense variant is expected to disrupt COL3A1 protein function with a positive predictive value of 95%. In summary, the available evidence is currently insufficient to determine the role of this variant in disease. Therefore, it has been classified as a Variant of Uncertain Significance.